The following is an entry in ClinVar:

NM_001165963.4(SCN1A):c.4556C>T (p.Pro1519Leu)

Genes: SCN1A (sodium voltage-gated channel alpha subunit 1; minus strand), LOC102724058 (uncharacterized LOC102724058; plus strand). Cytogenetic location: 2q24.3.
Variant type: single nucleotide variant.
Coding change: c.4556C>T on transcript NM_001165963.4 (MANE Select); coding-DNA position 4556, C replaced by T.
Protein change: p.Pro1519Leu; replaces proline 1519 with leucine.
Molecular consequence: missense variant. On other transcripts: non-coding transcript variant (1).
Genome position (GRCh38, 1-based): chr2:165,996,038, G>A on the plus strand (C>T on the coding strand, the complement: SCN1A is on the minus strand). VCF-style: chr2-165996038-G-A. GRCh37 (hg19) VCF-style: chr2-166852548-G-A.
Other names: p.P1519L:CCG>CTG; c.4472C>T, p.Pro1491Leu (NM_001353957.2, NM_001353958.2, NM_001165964.3); c.4469C>T, p.Pro1490Leu (NM_001353960.2); c.4556C>T, p.Pro1519Leu (NM_001202435.3, NM_001353948.2); c.4523C>T, p.Pro1508Leu (NM_001353949.2, NM_001353950.2, NM_001353951.2 and 2 more transcripts); c.4520C>T, p.Pro1507Leu (NM_001353954.2, NM_001353955.2); c.2114C>T, p.Pro705Leu (NM_001353961.2); short protein forms P1508L, P1519L, P1507L, P705L, P1490L, P1491L.
Identifiers: ClinVar variation 206839 (VCV000206839.59), dbSNP rs372425457, ClinGen allele CA317501.

ClinVar aggregate classification (germline): Conflicting classifications of pathogenicity. Review status: criteria provided, conflicting classifications (1 of 4 stars). 5 submissions from 5 submitters: Uncertain significance (1); Benign (2); Likely benign (2). Last evaluated 2026-01-09.

Conditions:
Early-infantile DEE. Also called: Ohtahara syndrome; Early infantile epileptic encephalopathy; Early infantile epileptic encephalopathy with suppression bursts. Identifiers: Orphanet 1934, MedGen C0393706, MONDO:0800491.
Inborn genetic diseases. Identifiers: MedGen C0950123, MeSH D030342.
Severe myoclonic epilepsy in infancy (DRVT). Also called: DEVELOPMENTAL AND EPILEPTIC ENCEPHALOPATHY 6A; Severe Myoclonic Epilepsy in Infancy (SMEI); Epileptic encephalopathy, early infantile, 6 (Dravet syndrome); SEVERE MYOCLONIC EPILEPSY OF INFANCY; Dravet syndrome. Identifiers: Orphanet 33069, MedGen C0751122, MONDO:0100135, OMIM 607208.

Allele frequency attached by ClinVar (database versions not stated): gnomAD exomes 0.00003 and 0.00014; gnomAD 0.00004; TOPMed 0.00005; ESP Exome Variant Server 0.00008; ExAC 0.00011.
gnomAD v4.1: 46 of 1,607,844 alleles (0.0029%); highest among the groups gnomAD compares: Admixed American, 0.059%; no homozygotes.

Submissions (15):

Labcorp Genetics (formerly Invitae), Labcorp
Classification: Likely benign for Early-infantile DEE. Last evaluated: 2026-01-09. Review status: criteria provided, single submitter. Criteria: Invitae Variant Classification Sherloc (09022015). Collection method: clinical testing. Allele origin: germline.

Mendelics
Classification: Benign for Severe myoclonic epilepsy in infancy. Last evaluated: 2023-08-22. Review status: criteria provided, single submitter. Criteria: Mendelics Assertion Criteria 2019. Collection method: clinical testing. Allele origin: germline.

GeneDx
Classification: Likely benign. Last evaluated: 2020-05-08. Review status: criteria provided, single submitter. Criteria: GeneDx Variant Classification Process June 2021. Collection method: clinical testing. Allele origin: germline. Affected: yes.
Comment: This variant is associated with the following publications: (PMID: 29655203)

Ambry Genetics
Classification: Benign for Inborn genetic diseases. Last evaluated: 2019-05-13. Review status: criteria provided, single submitter. Criteria: Ambry Variant Classification Scheme 2023. Collection method: clinical testing. Allele origin: germline.

Lifecell International Pvt. Ltd
Classification: Uncertain significance for Severe myoclonic epilepsy in infancy. Review status: criteria provided, single submitter. Criteria: ACMG Guidelines, 2015. Collection method: clinical testing. Allele origin: germline. Inheritance: Autosomal dominant inheritance. Affected: yes.
Comment: A heterozygous missense variant (c.4556C>T) in exon 27 of the SCN1A gene that results in the amino acid substitution from Proline to Leucine at codon 1519 (p.pro1519Leu) was identified. There is a moderate physicochemical difference between Proline and Leucine, which is likely to impact secondary protein structure as these residues differ in polarity, charge, size and/or other properties. The observed variant is not present in the 1000 Genomes but it is present in the gnomAD databases with the minor allele frequency of 0.0033%. The reference base is conserved across the species and in-silico predictions by Polyphen and SIFT are damaging. The Missense Variants Z-Score for this variant is 5.23. Missense Variants Z-Score is produced by the Exome Aggregation Consortium (60,706 adult humans) by computing a signed Z score for the deviation of observed counts from the expected number. Positive Z scores indicate increased constraint (intolerance to variation) and therefore that the gene had fewer missense variants than expected. (DOI: 10.1038/nature19057). The Missense Badness Score and MPC value for this variant are 0.38 and 1.43, respectively. Missense Badness Score is the normalized fold difference of missense substitutions between observed and expected variants from ExAC dataset. This score is then combined with orthogonal deleteriousness metrics into one score called MPC (for Missense badness, PolyPhen-2, and Constraint) designed to classify whether a missense variants is deleterious. Variants with MPC â‰¥ 2 have a rate nearly 6 times higher in cases than in controls. While those with intermediate MPC values (1 â‰¤ MPC < 2) have a more modest excess in cases. This variant was found in ClinVar (Variant 206839) with a classification of Conflicting Interpretations of Pathogenicity and a review status of (1 star) criteria provided, conflicting interpretations. Based on the above evidence this variant has been classified as Variant of uncertain significance according to the ACMG guidelines.

Channelopathy-Associated Epilepsy Research Center
No classification provided (evidence only). Review status: no classification provided. Collection method: in vitro. Allele origin: not applicable. Functional consequence: Decrease in peak current. Not counted in ClinVar's aggregate classification.

Channelopathy-Associated Epilepsy Research Center
No classification provided (evidence only). Review status: no classification provided. Collection method: in vitro. Allele origin: not applicable. Functional consequence: Normal voltage dependence of activation. Not counted in ClinVar's aggregate classification.

Channelopathy-Associated Epilepsy Research Center
No classification provided (evidence only). Review status: no classification provided. Collection method: in vitro. Allele origin: not applicable. Functional consequence: Decrease in slope of activation. Not counted in ClinVar's aggregate classification.

Channelopathy-Associated Epilepsy Research Center
No classification provided (evidence only). Review status: no classification provided. Collection method: in vitro. Allele origin: not applicable. Functional consequence: Normal voltage dependence of fast inactivation. Not counted in ClinVar's aggregate classification.

Channelopathy-Associated Epilepsy Research Center
No classification provided (evidence only). Review status: no classification provided. Collection method: in vitro. Allele origin: not applicable. Functional consequence: Normal slope of fast inactivation. Not counted in ClinVar's aggregate classification.

Channelopathy-Associated Epilepsy Research Center
No classification provided (evidence only). Review status: no classification provided. Collection method: in vitro. Allele origin: not applicable. Functional consequence: Normal rate of recovery from fast inactivation. Not counted in ClinVar's aggregate classification.

Channelopathy-Associated Epilepsy Research Center
No classification provided (evidence only). Review status: no classification provided. Collection method: in vitro. Allele origin: not applicable. Functional consequence: Normal current amplitude in use dependence. Not counted in ClinVar's aggregate classification.

Channelopathy-Associated Epilepsy Research Center
No classification provided (evidence only). Review status: no classification provided. Collection method: in vitro. Allele origin: not applicable. Functional consequence: Normal fast inactivation. Not counted in ClinVar's aggregate classification.

Channelopathy-Associated Epilepsy Research Center
No classification provided (evidence only). Review status: no classification provided. Collection method: in vitro. Allele origin: not applicable. Functional consequence: Decrease in ramp current. Not counted in ClinVar's aggregate classification.

Channelopathy-Associated Epilepsy Research Center
No classification provided (evidence only). Review status: no classification provided. Collection method: in vitro. Allele origin: not applicable. Functional consequence: Decrease in persistent current. Not counted in ClinVar's aggregate classification.